The following is an entry in ClinVar:

ClinVar aggregate classification (germline): Uncertain significance. Review status: criteria provided, multiple submitters, no conflicts (2 of 4 stars). 2 submissions from 2 submitters: Uncertain significance (2). Last evaluated 2025-05-21.

Conditions:
Hereditary cancer-predisposing syndrome. Also called: Neoplastic Syndromes, Hereditary; Hereditary Cancer Syndrome; Hereditary neoplastic syndrome; Tumor predisposition. Identifiers: Orphanet 140162, MedGen C0027672, MeSH D009386, MONDO:0015356.
Birt-Hogg-Dube syndrome. Also called: Birt Hogg Dubé syndrome. Identifiers: Orphanet 122, MedGen C0346010, MONDO:0800444.

Submissions (2):

Ambry Genetics
Classification: Uncertain significance for Hereditary cancer-predisposing syndrome. Last evaluated: 2025-05-21. Review status: criteria provided, single submitter. Criteria: Ambry Variant Classification Scheme 2023. Collection method: clinical testing. Allele origin: germline.
Comment: The p.E47K variant (also known as c.139G>A), located in coding exon 1 of the FLCN gene, results from a G to A substitution at nucleotide position 139. The glutamic acid at codon 47 is replaced by lysine, an amino acid with similar properties. This amino acid position is conserved. In addition, the in silico prediction for this alteration is inconclusive. Based on the available evidence, the clinical significance of this variant remains unclear.

Labcorp Genetics (formerly Invitae), Labcorp
Classification: Uncertain significance for Birt-Hogg-Dube syndrome. Last evaluated: 2024-10-02. Review status: criteria provided, single submitter. Criteria: Invitae Variant Classification Sherloc (09022015). Collection method: clinical testing. Allele origin: germline.
Comment: This sequence change replaces glutamic acid, which is acidic and polar, with lysine, which is basic and polar, at codon 47 of the FLCN protein (p.Glu47Lys). This variant is not present in population databases (gnomAD no frequency). This variant has not been reported in the literature in individuals affected with FLCN-related conditions. An algorithm developed to predict the effect of missense changes on protein structure and function (PolyPhen-2) suggests that this variant is likely to be tolerated. In summary, the available evidence is currently insufficient to determine the role of this variant in disease. Therefore, it has been classified as a Variant of Uncertain Significance.

NM_144997.7(FLCN):c.139G>A (p.Glu47Lys)

Gene: FLCN (folliculin; minus strand). Cytogenetic location: 17p11.2.
Variant type: single nucleotide variant.
Coding change: c.139G>A on transcript NM_144997.7 (MANE Select); coding-DNA position 139, G replaced by A.
Protein change: p.Glu47Lys; replaces glutamic acid 47 with lysine.
Molecular consequence: missense variant.
Genome position (GRCh38, 1-based): chr17:17,227,999, C>T on the plus strand (G>A on the coding strand, the complement: FLCN is on the minus strand). VCF-style: chr17-17227999-C-T. GRCh37 (hg19) VCF-style: chr17-17131313-C-T.
Other names: c.139G>A, p.Glu47Lys (NM_001353229.2, NM_001353230.2, NM_001353231.2 and 1 more transcripts); short protein forms E47K.
Identifiers: ClinVar variation 3722040 (VCV003722040.3).